The following is an entry in ClinVar:

NM_001164508.2(NEB):c.12691del (p.Arg4231fs)

Gene: NEB (nebulin; minus strand). Cytogenetic location: 2q23.3.
Variant type: Deletion.
Coding change: c.12691del on transcript NM_001164508.2 (MANE Select); coding-DNA position 12691, one base deleted (A; older notation c.12691delA).
Protein change: p.Arg4231fs; shifts the reading frame from arginine 4231.
Molecular consequence: frameshift variant. On other transcripts: intron variant (1).
Genome position (GRCh38, 1-based): chr2:151,606,662, T deleted on the plus strand (A on the coding strand, the reverse complement: NEB is on the minus strand); the first of 2 consecutive T bases (chr2:151,606,662-151,606,663); deleting either gives the same sequence. VCF-style (leftmost placement, unchanged base first): chr2-151606661-CT-C. GRCh37 (hg19) VCF-style: chr2-152463175-CT-C.
Other names: c.12691del, p.Arg4231fs (NM_001164507.2, NM_001271208.2); c.11601+3147del (NM_004543.5); short protein forms R4231fs.
Identifiers: ClinVar variation 4729435 (VCV004729435.1).
Genomic context (GRCh38, chr2:151,606,661, plus strand): 5'-CGTACCTCACTGGCAATTTCTCTGGAGGCCTTGGCGTGCTTGATTTCAATGGCATCTGCC[CT>C]TATGTCATAGCCTTTCTGCTTGGCGTCATTCCAGTCTTTTTGGTAGAGTTTCTATAGAGG-3'

ClinVar aggregate classification (germline): Pathogenic (1 of 4 stars; one submission).

Conditions:
Nemaline myopathy 2 (NEM2). Also called: Nemaline myopathy 2, autosomal recessive. Identifiers: MedGen C1850569, MONDO:0009725, OMIM 256030.

Submission:

Labcorp Genetics (formerly Invitae), Labcorp
Classification: Pathogenic for Nemaline myopathy 2. Last evaluated: 2025-10-18. Review status: criteria provided, single submitter. Criteria: Invitae Variant Classification Sherloc (09022015). Collection method: clinical testing. Allele origin: germline.
Comment: This variant occurs in a region of NEB (Exons 82-105) consisting of three highly homologous 8-exon repeat units (exons 82-89, exons 90-97, exons 98-105). Sequence variants in this region can be detected, but this assay cannot determine which of the three repeat units is affected, and zygosity is often ambiguous. All variants in this region are reported relative to the exon 82-89 repeat. This sequence change creates a premature translational stop signal (p.Arg4231Glyfs*77) in the NEB gene. It is expected to result in an absent or disrupted protein product. Loss-of-function variants in NEB are known to be pathogenic (PMID: 25205138). The frequency data for this variant in the population databases (gnomAD) is considered unreliable due to the presence of homologous sequence, such as pseudogenes or paralogs, in the genome. This variant has not been reported in the literature in individuals affected with NEB-related conditions. For these reasons, this variant has been classified as Pathogenic.

Literature cited by the submitters: PubMed 25205138.